The following is an entry in ClinVar:

ClinVar aggregate classification (germline): Uncertain significance (1 of 4 stars; one submission).

Allele frequency attached by ClinVar (database versions not stated): gnomAD exomes below 0.00001.

Submission:

Labcorp Genetics (formerly Invitae), Labcorp
Classification: Uncertain significance. Last evaluated: 2023-10-05. Review status: criteria provided, single submitter. Criteria: Invitae Variant Classification Sherloc (09022015). Collection method: clinical testing. Allele origin: germline.
Comment: This sequence change replaces proline, which is neutral and non-polar, with serine, which is neutral and polar, at codon 154 of the FLNB protein (p.Pro154Ser). This variant is not present in population databases (gnomAD no frequency). This variant has not been reported in the literature in individuals affected with FLNB-related conditions. Advanced modeling of protein sequence and biophysical properties (such as structural, functional, and spatial information, amino acid conservation, physicochemical variation, residue mobility, and thermodynamic stability) has been performed at Invitae for this missense variant, however the output from this modeling did not meet the statistical confidence thresholds required to predict the impact of this variant on FLNB protein function. In summary, the available evidence is currently insufficient to determine the role of this variant in disease. Therefore, it has been classified as a Variant of Uncertain Significance.

NM_001457.4(FLNB):c.460C>T (p.Pro154Ser)

Gene: FLNB (filamin B; plus strand). Cytogenetic location: 3p14.3.
Variant type: single nucleotide variant.
Coding change: c.460C>T on transcript NM_001457.4 (MANE Select); coding-DNA position 460, C replaced by T.
Protein change: p.Pro154Ser; replaces proline 154 with serine.
Molecular consequence: missense variant.
Genome position (GRCh38, 1-based): chr3:58,077,213, C>T. VCF-style: chr3-58077213-C-T. GRCh37 (hg19) VCF-style: chr3-58062940-C-T.
Other names: c.460C>T, p.Pro154Ser (NM_001164317.2, NM_001164318.2, NM_001164319.2); short protein forms P154S.
Identifiers: ClinVar variation 2766186 (VCV002766186.3), dbSNP rs2470990842, ClinGen allele CA353333475.